The following is an entry in ClinVar:

NM_000455.5(STK11):c.105C>T (p.Ile35=)

Gene: STK11 (serine/threonine kinase 11; plus strand). Cytogenetic location: 19p13.3.
Variant type: single nucleotide variant.
Coding change: c.105C>T on transcript NM_000455.5 (MANE Select); coding-DNA position 105, C replaced by T.
Protein change: p.Ile35=; no amino-acid change (isoleucine 35 retained).
Molecular consequence: synonymous variant.
Genome position (GRCh38, 1-based): chr19:1,207,018, C>T. VCF-style: chr19-1207018-C-T. GRCh37 (hg19) VCF-style: chr19-1207017-C-T.
Identifiers: ClinVar variation 744083 (VCV000744083.13), dbSNP rs1060503783, ClinGen allele CA504706122.

ClinVar aggregate classification (germline): Benign/Likely benign. Review status: criteria provided, multiple submitters, no conflicts (2 of 4 stars). 3 submissions from 3 submitters: Benign (1); Likely benign (2). Last evaluated 2025-03-25.

Conditions:
Hereditary cancer-predisposing syndrome. Also called: Tumor predisposition; Hereditary Cancer Syndrome; Neoplastic Syndromes, Hereditary; Hereditary neoplastic syndrome. Identifiers: Orphanet 140162, MedGen C0027672, MeSH D009386, MONDO:0015356.
Peutz-Jeghers syndrome (PJS). Also called: POLYPOSIS, HAMARTOMATOUS INTESTINAL; POLYPS-AND-SPOTS SYNDROME; Peutz-Jeghers polyposis; Periorificial lentiginosis syndrome. Identifiers: Orphanet 2869, MedGen C0031269, MeSH D010580, MONDO:0008280, OMIM 175200.

Submissions (3):

Myriad Genetics, Inc.
Classification: Benign for Peutz-Jeghers syndrome. Last evaluated: 2025-03-25. Review status: criteria provided, single submitter. Criteria: Myriad Autosomal Dominant, Autosomal Recessive and X-Linked Classification Criteria (2023). Collection method: clinical testing. Allele origin: unknown.
Comment: This variant is considered benign. This variant is a silent/synonymous amino acid change and it is not expected to impact splicing.

Labcorp Genetics (formerly Invitae), Labcorp
Classification: Likely benign for Peutz-Jeghers syndrome. Last evaluated: 2023-06-14. Review status: criteria provided, single submitter. Criteria: Invitae Variant Classification Sherloc (09022015). Collection method: clinical testing. Allele origin: germline.

Ambry Genetics
Classification: Likely benign for Hereditary cancer-predisposing syndrome. Last evaluated: 2020-03-14. Review status: criteria provided, single submitter. Criteria: Ambry Variant Classification Scheme 2023. Collection method: clinical testing. Allele origin: germline.